The following is an entry in ClinVar:

ClinVar aggregate classification (germline): Uncertain significance (1 of 4 stars; one submission).

Conditions:
Neuroblastoma, susceptibility to, 3. Also called: ALK-Related Neuroblastic Tumor Susceptibility. Identifiers: Orphanet 635, MedGen C2751681, MONDO:0013083, OMIM 613014.

Submission:

Labcorp Genetics (formerly Invitae), Labcorp
Classification: Uncertain significance for Neuroblastoma, susceptibility to, 3. Last evaluated: 2026-01-19. Review status: criteria provided, single submitter. Criteria: Invitae Variant Classification Sherloc (09022015). Collection method: clinical testing. Allele origin: germline.
Comment: This sequence change replaces lysine, which is basic and polar, with asparagine, which is neutral and polar, at codon 1518 of the ALK protein (p.Lys1518Asn). This variant is not present in population databases (gnomAD no frequency). This variant has not been reported in the literature in individuals affected with ALK-related conditions. An algorithm developed to predict the effect of missense changes on protein structure and function (PolyPhen-2) suggests that this variant is likely to be disruptive. Experimental studies have shown that this missense change does not substantially affect ALK function (PMID: 2086496). In summary, the available evidence is currently insufficient to determine the role of this variant in disease. Therefore, it has been classified as a Variant of Uncertain Significance.

Literature cited by the submitters: PubMed 2086496.

NM_004304.5(ALK):c.4554G>C (p.Lys1518Asn)

Gene: ALK (ALK receptor tyrosine kinase; minus strand). Cytogenetic location: 2p23.2.
Variant type: single nucleotide variant.
Coding change: c.4554G>C on transcript NM_004304.5 (MANE Select); coding-DNA position 4554, G replaced by C.
Protein change: p.Lys1518Asn; replaces lysine 1518 with asparagine.
Molecular consequence: missense variant.
Genome position (GRCh38, 1-based): chr2:29,193,533, C>G on the plus strand (G>C on the coding strand, the complement: ALK is on the minus strand). VCF-style: chr2-29193533-C-G. GRCh37 (hg19) VCF-style: chr2-29416399-C-G.
Other names: c.1350G>C, p.Lys450Asn (NM_001353765.2); short protein forms K450N, K1518N.
Identifiers: ClinVar variation 4695546 (VCV004695546.1).